The following is an entry in ClinVar:

ClinVar aggregate classification (germline): Uncertain significance (1 of 4 stars; one submission).

Submission:

Labcorp Genetics (formerly Invitae), Labcorp
Classification: Uncertain significance. Last evaluated: 2023-01-10. Review status: criteria provided, single submitter. Criteria: Invitae Variant Classification Sherloc (09022015). Collection method: clinical testing. Allele origin: germline.
Comment: This variant has not been reported in the literature in individuals affected with RHOBTB2-related conditions. This variant is not present in population databases (gnomAD no frequency). This sequence change creates a premature translational stop signal (p.Trp652*) in the RHOBTB2 gene. It is expected to result in an absent or disrupted protein product. However, the current clinical and genetic evidence is not sufficient to establish whether loss-of-function variants in RHOBTB2 cause disease. In summary, the available evidence is currently insufficient to determine the role of this variant in disease. Therefore, it has been classified as a Variant of Uncertain Significance.

NM_015178.3(RHOBTB2):c.1890G>A (p.Trp630Ter)

Gene: RHOBTB2 (Rho related BTB domain containing 2; plus strand). Cytogenetic location: 8p21.3.
Variant type: single nucleotide variant.
Coding change: c.1890G>A on transcript NM_015178.3 (MANE Select); coding-DNA position 1890, G replaced by A.
Protein change: p.Trp630Ter; replaces tryptophan 630 with a stop codon.
Molecular consequence: nonsense.
Genome position (GRCh38, 1-based): chr8:23,015,667, G>A. VCF-style: chr8-23015667-G-A. GRCh37 (hg19) VCF-style: chr8-22873180-G-A.
Other names: c.1956G>A, p.Trp652Ter (NM_001160036.2); c.1911G>A, p.Trp637Ter (NM_001160037.2); c.1890G>A, p.Trp630Ter (NM_001374791.1); short protein forms W637*, W652*, W630*.
Identifiers: ClinVar variation 2827433 (VCV002827433.3), dbSNP rs2487050713, ClinGen allele CA370575638.